The following is an entry in ClinVar:

ClinVar aggregate classification (germline): Benign/Likely benign. Review status: criteria provided, multiple submitters, no conflicts (2 of 4 stars). 16 submissions from 16 submitters: Benign (2); Likely benign (11). 3 of the submissions do not count toward it. Last evaluated 2026-09-01.

Conditions:
ELP1-related disorder. Also called: ELP1-related condition.
Familial dysautonomia. Also called: HSAN III; FD. Identifiers: Orphanet 1764, MedGen C0013364, MONDO:0009131, OMIM 223900. Disease mechanism: loss of function.

Allele frequency attached by ClinVar (database versions not stated): 1000 Genomes Project 0.00100; 1000 Genomes Project 30x 0.00125; TOPMed 0.00203; gnomAD 0.00218 and 0.00222; gnomAD exomes 0.00247; ExAC 0.00263; ESP Exome Variant Server 0.00323.

Submissions (16):

CeGaT Center for Human Genetics Tuebingen
Classification: Likely benign. Last evaluated: 2026-09-01. Review status: criteria provided, single submitter. Criteria: CeGaT Center For Human Genetics Tuebingen Variant Classification Criteria Version 2. Collection method: clinical testing. Allele origin: germline. Affected: yes. Observed: 28 variant alleles.
Comment: ELP1: BP4, BS2

Labcorp Genetics (formerly Invitae), Labcorp
Classification: Benign. Last evaluated: 2026-02-04. Review status: criteria provided, single submitter. Criteria: Invitae Variant Classification Sherloc (09022015). Collection method: clinical testing. Allele origin: germline.

Mayo Clinic Laboratories, Mayo Clinic
Classification: Benign. Last evaluated: 2025-05-06. Review status: criteria provided, single submitter. Criteria: ACMG Guidelines, 2015. Collection method: clinical testing. Allele origin: germline. Observed: 13 variant alleles.
Comment: BS1, BS2, BP4

ARUP Laboratories, Molecular Genetics and Genomics, ARUP Laboratories
Classification: Likely benign. Last evaluated: 2025-04-21. Review status: criteria provided, single submitter. Criteria: ARUP Molecular Germline Variant Investigation Process 2024. Collection method: clinical testing. Allele origin: germline.

Blueprint Genetics
Classification: Likely benign. Last evaluated: 2024-11-25. Review status: criteria provided, single submitter. Criteria: ACMG Guidelines, 2015. Collection method: clinical testing. Allele origin: germline.

GeneDx
Classification: Likely benign. Last evaluated: 2021-06-07. Review status: criteria provided, single submitter. Criteria: GeneDx Variant Classification Process June 2021. Collection method: clinical testing. Allele origin: germline. Affected: yes.

Genome-Nilou Lab
Classification: Likely benign for Familial dysautonomia. Last evaluated: 2021-05-18. Review status: criteria provided, single submitter. Criteria: ACMG Guidelines, 2015. Collection method: clinical testing. Allele origin: germline. Affected: no.

Ambry Genetics
Classification: Likely benign. Last evaluated: 2019-08-30. Review status: criteria provided, single submitter. Criteria: Ambry Variant Classification Scheme 2023. Collection method: clinical testing. Allele origin: germline.

Illumina Laboratory Services, Illumina
Classification: Likely benign for Familial dysautonomia. Last evaluated: 2018-02-13. Review status: criteria provided, single submitter. Criteria: ICSL Variant Classification Criteria 13 December 2019. Collection method: clinical testing. Allele origin: germline.
Comment: This variant was observed as part of a predisposition screen in an ostensibly healthy population. A literature search was performed for the gene, cDNA change, and amino acid change (where applicable). No publications were found based on this search. Allele frequency data from public databases allowed determination this variant is unlikely to cause disease. Therefore, this variant is classified as likely benign.

Center for Pediatric Genomic Medicine, Children's Mercy Hospital and Clinics
Classification: Likely benign. Last evaluated: 2017-06-14. Review status: criteria provided, single submitter. Criteria: ACMG Guidelines, 2015. Collection method: clinical testing. Allele origin: germline.

Eurofins Ntd Llc (ga)
Classification: Likely benign. Last evaluated: 2017-03-01. Review status: criteria provided, single submitter. Criteria: EGL Classification Definitions 2015. Collection method: clinical testing. Allele origin: germline. Observed: 3 variant alleles, 3 heterozygotes.

Genome Diagnostics Laboratory, University Medical Center Utrecht
Classification: Likely benign for Familial dysautonomia. Last evaluated: 2016-10-24. Review status: criteria provided, single submitter. Criteria: ACGS Guidelines, 2013. Collection method: clinical testing. Allele origin: germline. Affected: yes. Study: VKGL Data-share Consensus.

Breakthrough Genomics
Classification: Likely benign. Review status: criteria provided, single submitter. Criteria: ACMG Guidelines, 2015. Collection method: not provided. Allele origin: germline. Inheritance: Autosomal recessive inheritance. Affected: yes.

PreventionGenetics, part of Exact Sciences
Classification: Likely benign for ELP1-related condition. Last evaluated: 2020-12-16. Review status: no assertion criteria provided. Collection method: clinical testing. Allele origin: germline. Not counted in ClinVar's aggregate classification.
Comment: This variant is classified as likely benign based on ACMG/AMP sequence variant interpretation guidelines (Richards et al. 2015 PMID: 25741868, with internal and published modifications).

Natera, Inc.
Classification: Benign for Hereditary sensory and autonomic neuropathy type III. Last evaluated: 2020-04-14. Review status: no assertion criteria provided. Collection method: clinical testing. Allele origin: germline. Not counted in ClinVar's aggregate classification.

Clinical Genetics, Academic Medical Center
Classification: Likely benign. Review status: no assertion criteria provided. Collection method: clinical testing. Allele origin: germline. Affected: yes. Study: VKGL Data-share Consensus. Not counted in ClinVar's aggregate classification.

NM_003640.5(ELP1):c.2543C>A (p.Thr848Asn)

Gene: ELP1 (elongator acetyltransferase complex subunit 1; minus strand). Cytogenetic location: 9q31.3.
Variant type: single nucleotide variant.
Coding change: c.2543C>A on transcript NM_003640.5 (MANE Select); coding-DNA position 2543, C replaced by A.
Protein change: p.Thr848Asn; replaces threonine 848 with asparagine.
Molecular consequence: missense variant.
Genome position (GRCh38, 1-based): chr9:108,896,997, G>T on the plus strand (C>A on the coding strand, the complement: ELP1 is on the minus strand). VCF-style: chr9-108896997-G-T. GRCh37 (hg19) VCF-style: chr9-111659277-G-T.
Other names: c.2543C>A (LRG_251t1, NM_003640.4); c.2201C>A, p.Thr734Asn (NM_001318360.2); c.1496C>A, p.Thr499Asn (NM_001330749.2); short protein forms T848N, T499N, T734N.
Identifiers: ClinVar variation 245634 (VCV000245634.81), dbSNP rs10979599, ClinGen allele CA5174608.
Genomic context (GRCh38, chr9:108,896,997, plus strand): 5'-GTGAGCGGATCTCTACCTTGAAGCTCGTGTACTTTTTGCAGTACAATTTCCAGTTCTGGG[G>T]TTGTCTTCTTTACATGAGATGTAAGTATGGATAGGCAGTATCTGAGGTAATAAGTGAAGA-3'
Protein context (NP_003631.2, residues 838-858): SILTSHVKKT[Thr848Asn]PELEIVLQKV